The following is an entry in ClinVar:

NM_000093.5(COL5A1):c.3905C>G (p.Pro1302Arg)

Gene: COL5A1 (collagen type V alpha 1 chain; plus strand). Cytogenetic location: 9q34.3.
Variant type: single nucleotide variant.
Coding change: c.3905C>G on transcript NM_000093.5 (MANE Select); coding-DNA position 3905, C replaced by G.
Protein change: p.Pro1302Arg; replaces proline 1302 with arginine.
Molecular consequence: missense variant.
Genome position (GRCh38, 1-based): chr9:134,814,035, C>G. VCF-style: chr9-134814035-C-G. GRCh37 (hg19) VCF-style: chr9-137705881-C-G.
Other names: c.3905C>G, p.Pro1302Arg (NM_001278074.1); short protein forms P1302R.
Identifiers: ClinVar variation 1212073 (VCV001212073.7), dbSNP rs201920777, ClinGen allele CA375455513.

ClinVar aggregate classification (germline): Uncertain significance. Review status: criteria provided, multiple submitters, no conflicts (2 of 4 stars). 3 submissions from 3 submitters: Uncertain significance (3). Last evaluated 2025-04-13.

Conditions:
Familial thoracic aortic aneurysm and aortic dissection (TAAD). Also called: Thoracic aortic aneurysms and dissections. Identifiers: Orphanet 91387, MedGen C4707243, MONDO:0019625.
Ehlers-Danlos syndrome, classic type, 1 (EDSCL1). Also called: EHLERS-DANLOS SYNDROME, GRAVIS TYPE; EHLERS-DANLOS SYNDROME, SEVERE CLASSIC TYPE; Ehlers-Danlos syndrome, type 1; Ehlers-Danlos Syndrome, Classic Type, COL5A1-Related; EDS I. Identifiers: MedGen C0268335, MONDO:0019567, OMIM 130000.

gnomAD v4.1: 10 of 1,550,608 alleles (0.00064%); highest among the groups gnomAD compares: East Asian, 0.0024%; no homozygotes.

Submissions (3):

Labcorp Genetics (formerly Invitae), Labcorp
Classification: Uncertain significance for Ehlers-Danlos syndrome, classic type, 1. Last evaluated: 2025-04-13. Review status: criteria provided, single submitter. Criteria: Invitae Variant Classification Sherloc (09022015). Collection method: clinical testing. Allele origin: germline.
Comment: This sequence change replaces proline, which is neutral and non-polar, with arginine, which is basic and polar, at codon 1302 of the COL5A1 protein (p.Pro1302Arg). This variant is present in population databases (no rsID available, gnomAD 0.02%). This variant has not been reported in the literature in individuals affected with COL5A1-related conditions. ClinVar contains an entry for this variant (Variation ID: 1212073). Experimental studies and prediction algorithms are not available or were not evaluated, and the functional significance of this variant is currently unknown. In summary, the available evidence is currently insufficient to determine the role of this variant in disease. Therefore, it has been classified as a Variant of Uncertain Significance.

Ambry Genetics
Classification: Uncertain significance for Familial thoracic aortic aneurysm and aortic dissection. Last evaluated: 2020-10-08. Review status: criteria provided, single submitter. Criteria: Ambry Variant Classification Scheme 2023. Collection method: clinical testing. Allele origin: germline.

GeneDx
Classification: Uncertain significance. Last evaluated: 2020-10-08. Review status: criteria provided, single submitter. Criteria: GeneDx Variant Classification Process June 2021. Collection method: clinical testing. Allele origin: germline. Affected: yes.
Comment: Has not been previously published as pathogenic or benign to our knowledge; In silico analysis, which includes protein predictors and evolutionary conservation, supports a deleterious effect; Occurs in the triple helical domain at the Y position in the canonical Gly-X-Y repeat; although this variant may have an effect on normal protein folding and function, missense substitution at the Y position is not a common mechanism of disease (Symoens et al., 2012; Stenson et al., 2014)